The following is an entry in ClinVar:

ClinVar aggregate classification (germline): Pathogenic (0 of 4 stars; one submission).

Conditions:
Polycystic kidney disease. Also called: Polycystic kidney dysplasia; Kidney, Polycystic. Identifiers: MedGen C0022680, MeSH D007690, MONDO:0020642, HP:0000113.

Submission:

Department of Pathology and Laboratory Medicine, Sinai Health System
Classification: Pathogenic for Polycystic Kidney disease. Review status: no assertion criteria provided. Collection method: clinical testing. Allele origin: unknown. Affected: yes. Observed: 1 variant allele. Study: The Canadian Open Genetics Repository (COGR).
Comment: The PKD1 p.Ala3772ProfsX45 variant was not identified in the literature nor was it identified in the following databases: dbSNP, ClinVar, COGR, LOVD 3.0, ADPKD Mutation Database, or PKD1-LOVD. The variant was not identified in the 1000 Genomes Project, the NHLBI GO Exome Sequencing Project or the Exome Aggregation Consortium (August 8th 2016) control databases. The p.Ala3772ProfsX45 variant is predicted to cause a frameshift, which alters the protein amino acid sequence beginning at codon 3772 and leads to a premature stop codon at position 3816. This alteration is then predicted to result in a truncated or absent protein and loss of function. Loss of function variants of the PKD1 gene are an established mechanism of disease in ADPKD and is the type of variant expected to cause the disorder. In summary, based on the above information, this variant meets our laboratoryâ€šÃ„Ã´s criteria to be classified as pathogenic.

NM_001009944.3(PKD1):c.11313_11314insCCCG (p.Ala3772fs)

Genes: PKD1 (polycystin 1, transient receptor potential channel interacting; minus strand), PKD1-AS1 (PKD1 antisense RNA 1; plus strand). Cytogenetic location: 16p13.3.
Variant type: Insertion.
Coding change: c.11313_11314insCCCG on transcript NM_001009944.3 (MANE Select); coding-DNA positions 11313 to 11314, CCCG inserted.
Protein change: p.Ala3772fs; shifts the reading frame from alanine 3772.
Molecular consequence: frameshift variant.
Genome position: GRCh38 VCF-style: chr16-2092144-C-CCGGG. GRCh37 (hg19) VCF-style: chr16-2142145-C-CCGGG.
Other names: c.11310_11311insCCCG, p.Ala3771fs (NM_000296.4); short protein forms A3771fs, A3772fs.
Identifiers: ClinVar variation 997400 (VCV000997400.1), dbSNP rs2091620545, ClinGen allele CA2202019646.